The following is an entry in ClinVar:

NM_199355.4(ADAMTS18):c.529C>T (p.Leu177Phe)

Gene: ADAMTS18 (ADAM metallopeptidase with thrombospondin type 1 motif 18; minus strand). Cytogenetic location: 16q23.1.
Variant type: single nucleotide variant.
Coding change: c.529C>T on transcript NM_199355.4 (MANE Select); coding-DNA position 529, C replaced by T.
Protein change: p.Leu177Phe; replaces leucine 177 with phenylalanine.
Molecular consequence: missense variant. On other transcripts: synonymous variant (1).
Genome position (GRCh38, 1-based): chr16:77,367,690, G>A on the plus strand (C>T on the coding strand, the complement: ADAMTS18 is on the minus strand). VCF-style: chr16-77367690-G-A. GRCh37 (hg19) VCF-style: chr16-77401587-G-A.
Other names: c.9C>T, p.Ser3= (NM_001326358.2); short protein forms L177F.
Identifiers: ClinVar variation 850855 (VCV000850855.11), dbSNP rs1245487308, ClinGen allele CA396826008.

ClinVar aggregate classification (germline): Uncertain significance (1 of 4 stars; one submission).

Allele frequency attached by ClinVar (database versions not stated): gnomAD exomes below 0.00001.
gnomAD v4.1: 1 of 1,614,174 alleles (0.000062%); highest among the groups gnomAD compares: Admixed American, 0.0017%; no homozygotes.

Submission:

Labcorp Genetics (formerly Invitae), Labcorp
Classification: Uncertain significance. Last evaluated: 2024-02-20. Review status: criteria provided, single submitter. Criteria: Invitae Variant Classification Sherloc (09022015). Collection method: clinical testing. Allele origin: germline.
Comment: This sequence change replaces leucine, which is neutral and non-polar, with phenylalanine, which is neutral and non-polar, at codon 177 of the ADAMTS18 protein (p.Leu177Phe). This variant is present in population databases (no rsID available, gnomAD 0.003%). This variant has not been reported in the literature in individuals affected with ADAMTS18-related conditions. ClinVar contains an entry for this variant (Variation ID: 850855). An algorithm developed to predict the effect of missense changes on protein structure and function (PolyPhen-2) suggests that this variant is likely to be tolerated. In summary, the available evidence is currently insufficient to determine the role of this variant in disease. Therefore, it has been classified as a Variant of Uncertain Significance.